The following is an entry in ClinVar:

NM_001199753.2(CPT1C):c.2062G>A (p.Val688Ile)

Gene: CPT1C (carnitine palmitoyltransferase 1C; plus strand). Cytogenetic location: 19q13.33.
Variant type: single nucleotide variant.
Coding change: c.2062G>A on transcript NM_001199753.2 (MANE Select); coding-DNA position 2062, G replaced by A.
Protein change: p.Val688Ile; replaces valine 688 with isoleucine.
Molecular consequence: missense variant. On other transcripts: non-coding transcript variant (1).
Genome position (GRCh38, 1-based): chr19:49,712,778, G>A. VCF-style: chr19-49712778-G-A. GRCh37 (hg19) VCF-style: chr19-50216035-G-A.
Other names: c.1927G>A, p.Val643Ile (NM_001378488.1, NM_001378486.1); c.2062G>A, p.Val688Ile (NM_152359.3, NM_001199752.3, NM_001378483.1 and 1 more transcripts); c.2029G>A, p.Val677Ile (NM_001136052.3, NM_001378485.1); c.2128G>A, p.Val710Ile (NM_001378482.1); c.1894G>A, p.Val632Ile (NM_001378487.1); short protein forms V632I, V677I, V643I, V688I, V710I.
Identifiers: ClinVar variation 2109770 (VCV002109770.4), dbSNP rs2514254578, ClinGen allele CA406910007.

ClinVar aggregate classification (germline): Uncertain significance (1 of 4 stars; one submission).

Conditions:
Hereditary spastic paraplegia 73. Also called: Spastic paraplegia 73, autosomal dominant. Identifiers: Orphanet 444099, MedGen C5568981, MONDO:0014568, OMIM 616282.

Submission:

Labcorp Genetics (formerly Invitae), Labcorp
Classification: Uncertain significance for Hereditary spastic paraplegia 73. Last evaluated: 2022-03-12. Review status: criteria provided, single submitter. Criteria: Invitae Variant Classification Sherloc (09022015). Collection method: clinical testing. Allele origin: germline.
Comment: This variant is not present in population databases (gnomAD no frequency). This sequence change replaces valine, which is neutral and non-polar, with isoleucine, which is neutral and non-polar, at codon 677 of the CPT1C protein (p.Val677Ile). This variant has not been reported in the literature in individuals affected with CPT1C-related conditions. Algorithms developed to predict the effect of missense changes on protein structure and function are either unavailable or do not agree on the potential impact of this missense change (SIFT: "Tolerated"; PolyPhen-2: "Probably Damaging"; Align-GVGD: "Class C0"). In summary, the available evidence is currently insufficient to determine the role of this variant in disease. Therefore, it has been classified as a Variant of Uncertain Significance.